The following is an entry in ClinVar:

NM_002335.4(LRP5):c.2665G>A (p.Val889Met)

Gene: LRP5 (LDL receptor related protein 5; plus strand). Cytogenetic location: 11q13.2.
Variant type: single nucleotide variant.
Coding change: c.2665G>A on transcript NM_002335.4 (MANE Select); coding-DNA position 2665, G replaced by A.
Protein change: p.Val889Met; replaces valine 889 with methionine.
Molecular consequence: missense variant.
Genome position (GRCh38, 1-based): chr11:68,413,850, G>A. VCF-style: chr11-68413850-G-A. GRCh37 (hg19) VCF-style: chr11-68181318-G-A.
Other names: c.922G>A, p.Val308Met (NM_001291902.2); short protein forms V308M, V889M.
Identifiers: ClinVar variation 1954742 (VCV001954742.6), dbSNP rs1325850816, ClinGen allele CA381618684.

ClinVar aggregate classification (germline): Uncertain significance. Review status: criteria provided, multiple submitters, no conflicts (2 of 4 stars). 2 submissions from 2 submitters: Uncertain significance (2). Last evaluated 2024-03-07.

Conditions:
Autosomal dominant osteopetrosis 1 (OPTA1). Also called: OSTEOPETROSIS, AUTOSOMAL DOMINANT, TYPE I. Identifiers: Orphanet 2783, MedGen C1843330, MONDO:0011877, OMIM 607634.
Bone mineral density quantitative trait locus 1 (BMND1). Identifiers: MedGen C1866079, OMIM 601884.
Worth disease. Also called: ENDOSTEAL HYPEROSTOSIS, AUTOSOMAL DOMINANT; OSTEOSCLEROSIS, AUTOSOMAL DOMINANT; Autosomal dominant osteosclerosis, Worth type. Identifiers: Orphanet 2790, MedGen C0432273, MONDO:0007764, OMIM 144750.
Osteoporosis with pseudoglioma (OPPG). Also called: osteoporosis-pseudoglioma syndrome. Identifiers: Orphanet 2788, MedGen C0432252, MONDO:0009820, OMIM 259770.
Polycystic liver disease 4 with or without kidney cysts. Identifiers: MedGen C4693479, MONDO:0044327, OMIM 617875.
Exudative vitreoretinopathy 4 (EVR4). Identifiers: Orphanet 891, MedGen C1866176, MONDO:0011151, OMIM 601813.

Allele frequency attached by ClinVar (database versions not stated): TOPMed below 0.00001.
gnomAD v4.1: 3 of 1,613,594 alleles (0.00019%); highest among the groups gnomAD compares: Non-Finnish European, 0.00025%; no homozygotes.

Submissions (2):

Fulgent Genetics
Classification: Uncertain significance for Worth disease; Osteoporosis with pseudoglioma; Exudative vitreoretinopathy 4; Bone mineral density quantitative trait locus 1; Autosomal dominant osteopetrosis 1; Polycystic liver disease 4 with or without kidney cysts. Last evaluated: 2024-03-07. Review status: criteria provided, single submitter. Criteria: ACMG Guidelines, 2015. Collection method: clinical testing. Allele origin: germline.

Labcorp Genetics (formerly Invitae), Labcorp
Classification: Uncertain significance. Last evaluated: 2022-07-30. Review status: criteria provided, single submitter. Criteria: Invitae Variant Classification Sherloc (09022015). Collection method: clinical testing. Allele origin: germline.
Comment: In summary, the available evidence is currently insufficient to determine the role of this variant in disease. Therefore, it has been classified as a Variant of Uncertain Significance. Algorithms developed to predict the effect of missense changes on protein structure and function are either unavailable or do not agree on the potential impact of this missense change (SIFT: "Deleterious"; PolyPhen-2: "Possibly Damaging"; Align-GVGD: "Class C15"). This variant has not been reported in the literature in individuals affected with LRP5-related conditions. This variant is not present in population databases (gnomAD no frequency). This sequence change replaces valine, which is neutral and non-polar, with methionine, which is neutral and non-polar, at codon 889 of the LRP5 protein (p.Val889Met).